The following is an entry in ClinVar:

ClinVar aggregate classification (germline): Likely benign (1 of 4 stars; one submission).

Allele frequency attached by ClinVar (database versions not stated): TOPMed 0.00023; ESP Exome Variant Server 0.00047.
gnomAD v4.1: 251 of 1,209,129 alleles (0.021%); highest among the groups gnomAD compares: Non-Finnish European, 0.0092%; no homozygotes.

Submission:

CeGaT Center for Human Genetics Tuebingen
Classification: Likely benign. Last evaluated: 2022-03-01. Review status: criteria provided, single submitter. Criteria: CeGaT Center For Human Genetics Tuebingen Variant Classification Criteria Version 2. Collection method: clinical testing. Allele origin: germline. Affected: yes. Observed: 1 variant allele.
Comment: PCDH11X: BP4, BP7

NM_032968.5(PCDH11X):c.2325G>T (p.Ser775=)

Gene: PCDH11X (protocadherin 11 X-linked; plus strand). Cytogenetic location: Xq21.31.
Variant type: single nucleotide variant.
Coding change: c.2325G>T on transcript NM_032968.5 (MANE Select); coding-DNA position 2325, G replaced by T.
Protein change: p.Ser775=; no amino-acid change (serine 775 retained).
Molecular consequence: synonymous variant.
Genome position (GRCh38, 1-based): chrX:91,878,565, G>T. VCF-style: chrX-91878565-G-T. GRCh37 (hg19) VCF-style: chrX-91133564-G-T.
Other names: c.2325G>T, p.Ser775= (NM_001168360.1, NM_001168361.1, NM_001168362.1 and 2 more transcripts).
Identifiers: ClinVar variation 2661014 (VCV002661014.24), dbSNP rs140868736, ClinGen allele CA10467111.
Genomic context (GRCh38, chrX:91,878,565, plus strand): 5'-CTTAGGACAGCCTGATTCTCTCTTCAGTGTTGTAATTGTCAATCTGTTCGTGAATGAGTC[G>T]GTGACCAATGCTACACTGATTAATGAACTGGTGCGCAAAAGCACTGAAGCACCAGTGACC-3'
Protein context (NP_116750.1, residues 765-785): VVIVNLFVNE[Ser775=]VTNATLINEL